The following is an entry in ClinVar:

ClinVar aggregate classification (germline): Likely benign (1 of 4 stars; one submission).

Submission:

CeGaT Center for Human Genetics Tuebingen
Classification: Likely benign. Last evaluated: 2025-09-01. Review status: criteria provided, single submitter. Criteria: CeGaT Center For Human Genetics Tuebingen Variant Classification Criteria Version 2. Collection method: clinical testing. Allele origin: germline. Affected: yes. Observed: 1 variant allele.
Comment: IGFN1: PM2:Supporting, BP4, BP7

NM_001164586.2(IGFN1):c.6360T>C (p.Ser2120=)

Gene: IGFN1 (immunoglobulin like and fibronectin type III domain containing 1; plus strand). Cytogenetic location: 1q32.1.
Variant type: single nucleotide variant.
Coding change: c.6360T>C on transcript NM_001164586.2 (MANE Select); coding-DNA position 6360, T replaced by C.
Protein change: p.Ser2120=; no amino-acid change (serine 2120 retained).
Molecular consequence: synonymous variant. On other transcripts: intron variant (1).
Genome position (GRCh38, 1-based): chr1:201,211,253, T>C. VCF-style: chr1-201211253-T-C. GRCh37 (hg19) VCF-style: chr1-201180381-T-C.
Other names: c.1242-2253T>C (NM_001367841.1).
Identifiers: ClinVar variation 4534649 (VCV004534649.6).